The following is an entry in ClinVar:

NM_001967.4(EIF4A2):c.999+2T>C

Gene: EIF4A2 (eukaryotic translation initiation factor 4A2; plus strand). Cytogenetic location: 3q27.3.
Variant type: single nucleotide variant.
Coding change: c.999+2T>C on transcript NM_001967.4 (MANE Select); the canonical splice donor site of the intron after coding-DNA position 999, T replaced by C.
Molecular consequence: splice donor variant.
Genome position (GRCh38, 1-based): chr3:186,787,586, T>C. VCF-style: chr3-186787586-T-C. GRCh37 (hg19) VCF-style: chr3-186505375-T-C.
Identifiers: ClinVar variation 2654341 (VCV002654341.24), dbSNP rs2473975473, ClinGen allele CA355726116.

ClinVar aggregate classification (germline): Uncertain significance (1 of 4 stars; one submission).

Submission:

CeGaT Center for Human Genetics Tuebingen
Classification: Uncertain significance. Last evaluated: 2022-08-01. Review status: criteria provided, single submitter. Criteria: CeGaT Center For Human Genetics Tuebingen Variant Classification Criteria Version 2. Collection method: clinical testing. Allele origin: germline. Affected: yes. Observed: 1 variant allele.
Comment: EIF4A2: PM2